The following is an entry in ClinVar:

NM_145059.3(FCSK):c.1674G>A (p.Ala558=)

Gene: FCSK (fucose kinase; plus strand). Cytogenetic location: 16q22.1.
Variant type: single nucleotide variant.
Coding change: c.1674G>A on transcript NM_145059.3 (MANE Select); coding-DNA position 1674, G replaced by A.
Protein change: p.Ala558=; no amino-acid change (alanine 558 retained).
Molecular consequence: synonymous variant.
Genome position (GRCh38, 1-based): chr16:70,473,250, G>A. VCF-style: chr16-70473250-G-A. GRCh37 (hg19) VCF-style: chr16-70507153-G-A.
Other names: c.1674G>A (NM_145059.2).
Identifiers: ClinVar variation 1682377 (VCV001682377.23), dbSNP rs771305367, ClinGen allele CA8143403.

ClinVar aggregate classification (germline): Likely benign. Review status: criteria provided, multiple submitters, no conflicts (2 of 4 stars). 3 submissions from 3 submitters: Likely benign (2). 1 of the submissions does not count toward it. Last evaluated 2026-09-01.

Conditions:
FCSK-related disorder. Also called: FCSK-related condition.

Allele frequency attached by ClinVar (database versions not stated): ExAC 0.00025; gnomAD exomes 0.00044.
gnomAD v4.1: 714 of 1,532,930 alleles (0.047%); highest among the groups gnomAD compares: Admixed American, 0.15%; 2 homozygotes.

Submissions (3):

CeGaT Center for Human Genetics Tuebingen
Classification: Likely benign. Last evaluated: 2026-09-01. Review status: criteria provided, single submitter. Criteria: CeGaT Center For Human Genetics Tuebingen Variant Classification Criteria Version 2. Collection method: clinical testing. Allele origin: germline. Affected: yes. Observed: 2 variant alleles.
Comment: FCSK: BP4, BP7

Labcorp Genetics (formerly Invitae), Labcorp
Classification: Likely benign. Last evaluated: 2026-01-19. Review status: criteria provided, single submitter. Criteria: Invitae Variant Classification Sherloc (09022015). Collection method: clinical testing. Allele origin: germline.

PreventionGenetics, part of Exact Sciences
Classification: Likely benign for FCSK-related condition. Last evaluated: 2019-07-19. Review status: no assertion criteria provided. Collection method: clinical testing. Allele origin: germline. Not counted in ClinVar's aggregate classification.
Comment: This variant is classified as likely benign based on ACMG/AMP sequence variant interpretation guidelines (Richards et al. 2015 PMID: 25741868, with internal and published modifications).